The following is an entry in ClinVar:

NM_024334.3(TMEM43):c.753T>C (p.Asp251=)

Gene: TMEM43 (transmembrane protein 43; plus strand). Cytogenetic location: 3p25.1.
Variant type: single nucleotide variant.
Coding change: c.753T>C on transcript NM_024334.3 (MANE Select); coding-DNA position 753, T replaced by C.
Protein change: p.Asp251=; no amino-acid change (aspartic acid 251 retained).
Molecular consequence: synonymous variant.
Genome position (GRCh38, 1-based): chr3:14,135,205, T>C. VCF-style: chr3-14135205-T-C. GRCh37 (hg19) VCF-style: chr3-14176705-T-C.
Identifiers: ClinVar variation 1172372 (VCV001172372.6), dbSNP rs2124991349, ClinGen allele CA432552009.

ClinVar aggregate classification (germline): Likely benign. Review status: criteria provided, multiple submitters, no conflicts (2 of 4 stars). 3 submissions from 3 submitters: Likely benign (3). Last evaluated 2025-08-11.

Conditions:
Arrhythmogenic right ventricular dysplasia 5. Also called: ARRHYTHMOGENIC RIGHT VENTRICULAR DYSPLASIA, FAMILIAL, 5; Arrhythmogenic Right Ventricular Dysplasia/Cardiomyopathy 5. Identifiers: MedGen C1858379, MONDO:0011459, OMIM 604400.
Cardiomyopathy (CMYO). Also called: Cardiomyopathies. Identifiers: Orphanet 167848, MedGen C0878544, MONDO:0004994, HP:0001638. Inheritance: Various modes of inheritance.

Allele frequency attached by ClinVar (database versions not stated): gnomAD exomes below 0.00001.
gnomAD v4.1: 2 of 1,612,700 alleles (0.00012%); highest among the groups gnomAD compares: Middle Eastern, 0.016%; no homozygotes.

Submissions (3):

Labcorp Genetics (formerly Invitae), Labcorp
Classification: Likely benign for Arrhythmogenic right ventricular dysplasia 5. Last evaluated: 2025-08-11. Review status: criteria provided, single submitter. Criteria: Invitae Variant Classification Sherloc (09022015). Collection method: clinical testing. Allele origin: germline.

All of Us Research Program, National Institutes of Health
Classification: Likely benign for Arrhythmogenic right ventricular dysplasia 5. Last evaluated: 2023-03-04. Review status: criteria provided, single submitter. Criteria: ACMG Guidelines, 2015. Collection method: clinical testing. Allele origin: germline. Inheritance: Autosomal dominant inheritance. Observed: 1 variant allele, 1 heterozygote.
Comment: This study involves interpretation of variants in research participants for the purpose of population health screening. Participant phenotype was not available at the time of variant classification. Additional details can be found in publication PMID: 35346344, PMCID: PMC8962531

Color Diagnostics, LLC DBA Color Health
Classification: Likely benign for Cardiomyopathy. Last evaluated: 2020-08-24. Review status: criteria provided, single submitter. Criteria: ACMG Guidelines, 2015. Collection method: clinical testing. Allele origin: germline.